The following is an entry in ClinVar:

ClinVar aggregate classification (germline): Uncertain significance (1 of 4 stars; one submission).

Submission:

Laboratory for Molecular Medicine, Mass General Brigham Personalized Medicine
Classification: Uncertain significance. Last evaluated: 2016-06-23. Review status: criteria provided, single submitter. Criteria: LMM Criteria. Collection method: clinical testing. Allele origin: germline. Observed: 1 variant allele.
Comment: Variant classified as Uncertain Significance - Favor Pathogenic. The p.X313Tyrex tX99 variant in GIPC3 has not been previously reported in individuals with heari ng loss. This v ariant is predicted to result in the loss of the native stop codon leading to a 99 amino acid C-terminus extension of the protein. However, the impact of this e xtension on the normal function of the protein is currently unknown. In summary, while there is some suspicion for a pathogenic role given the impact of the var iant, the clinical significance of this variant is uncertain.

NM_133261.3(GIPC3):c.939G>C (p.Ter313Tyr)

Gene: GIPC3 (GIPC PDZ domain containing family member 3; plus strand). Cytogenetic location: 19p13.3.
Variant type: single nucleotide variant.
Coding change: c.939G>C on transcript NM_133261.3 (MANE Select); coding-DNA position 939, G replaced by C.
Protein change: p.Ter313Tyr.
Molecular consequence: stop lost.
Genome position (GRCh38, 1-based): chr19:3,590,190, G>C. VCF-style: chr19-3590190-G-C. GRCh37 (hg19) VCF-style: chr19-3590188-G-C.
Other names: *313Y.
Identifiers: ClinVar variation 505136 (VCV000505136.4), dbSNP rs1172324481, ClinGen allele CA403365824.